The following is an entry in ClinVar:

ClinVar aggregate classification (germline): Uncertain significance. Review status: criteria provided, multiple submitters, no conflicts (2 of 4 stars). 2 submissions from 2 submitters: Uncertain significance (2). Last evaluated 2024-04-20.

Conditions:
Inborn genetic diseases. Identifiers: MedGen C0950123, MeSH D030342.
MEGF10-related myopathy (CMYO10A). Also called: Congenital myopathy 10A, severe variant. Identifiers: Orphanet 439212, MedGen C3280679, MONDO:0013731, OMIM 614399.

Allele frequency attached by ClinVar (database versions not stated): ExAC 0.00001; TOPMed 0.00002; gnomAD 0.00003.

Submissions (2):

Labcorp Genetics (formerly Invitae), Labcorp
Classification: Uncertain significance for MEGF10-related myopathy. Last evaluated: 2024-04-20. Review status: criteria provided, single submitter. Criteria: Invitae Variant Classification Sherloc (09022015). Collection method: clinical testing. Allele origin: germline.
Comment: This sequence change replaces serine, which is neutral and polar, with phenylalanine, which is neutral and non-polar, at codon 616 of the MEGF10 protein (p.Ser616Phe). This variant is present in population databases (rs764478553, gnomAD 0.003%). This variant has not been reported in the literature in individuals affected with MEGF10-related conditions. ClinVar contains an entry for this variant (Variation ID: 1982500). Advanced modeling of protein sequence and biophysical properties (such as structural, functional, and spatial information, amino acid conservation, physicochemical variation, residue mobility, and thermodynamic stability) performed at Invitae indicates that this missense variant is not expected to disrupt MEGF10 protein function with a negative predictive value of 80%. In summary, the available evidence is currently insufficient to determine the role of this variant in disease. Therefore, it has been classified as a Variant of Uncertain Significance.

Ambry Genetics
Classification: Uncertain significance for Inborn genetic diseases. Last evaluated: 2023-05-18. Review status: criteria provided, single submitter. Criteria: Ambry Variant Classification Scheme 2023. Collection method: clinical testing. Allele origin: germline.

NM_001256545.2(MEGF10):c.1847C>T (p.Ser616Phe)

Gene: MEGF10 (multiple EGF like domains 10; plus strand). Cytogenetic location: 5q23.2.
Variant type: single nucleotide variant.
Coding change: c.1847C>T on transcript NM_001256545.2 (MANE Select); coding-DNA position 1847, C replaced by T.
Protein change: p.Ser616Phe; replaces serine 616 with phenylalanine.
Molecular consequence: missense variant.
Genome position (GRCh38, 1-based): chr5:127,434,693, C>T. VCF-style: chr5-127434693-C-T. GRCh37 (hg19) VCF-style: chr5-126770385-C-T.
Other names: c.1847C>T (NM_032446.2); c.1847C>T, p.Ser616Phe (NM_032446.3); short protein forms S616F.
Identifiers: ClinVar variation 1982500 (VCV001982500.6), dbSNP rs764478553, ClinGen allele CA3391762.